The following is an entry in ClinVar:

ClinVar aggregate classification (germline): Uncertain significance (1 of 4 stars; one submission).

Conditions:
Inborn genetic diseases. Identifiers: MedGen C0950123, MeSH D030342.

gnomAD v4.1: 1 of 1,613,850 alleles (0.000062%); highest among the groups gnomAD compares: Non-Finnish European, 0.000085%; no homozygotes.

Submission:

Ambry Genetics
Classification: Uncertain significance for Inborn genetic diseases. Last evaluated: 2025-09-22. Review status: criteria provided, single submitter. Criteria: Ambry Variant Classification Scheme 2023. Collection method: clinical testing. Allele origin: germline.
Comment: The c.3580C>T (p.R1194W) alteration is located in exon 20 (coding exon 19) of the SIN3A gene. This alteration results from a C to T substitution at nucleotide position 3580, causing the arginine (R) at amino acid position 1194 to be replaced by a tryptophan (W). Based on data from gnomAD, the T allele has an overall frequency of 0.003% (1/31402) total alleles studied. The highest observed frequency was <0.001% (/) of alleles. Based on insufficient or conflicting evidence, the clinical significance of this alteration remains unclear.

NM_001145358.2(SIN3A):c.3580C>T (p.Arg1194Trp)

Gene: SIN3A (SIN3 transcription regulator family member A; minus strand). Cytogenetic location: 15q24.2.
Variant type: single nucleotide variant.
Coding change: c.3580C>T on transcript NM_001145358.2 (MANE Select); coding-DNA position 3580, C replaced by T.
Protein change: p.Arg1194Trp; replaces arginine 1194 with tryptophan.
Molecular consequence: missense variant.
Genome position (GRCh38, 1-based): chr15:75,375,676, G>A on the plus strand (C>T on the coding strand, the complement: SIN3A is on the minus strand). VCF-style: chr15-75375676-G-A. GRCh37 (hg19) VCF-style: chr15-75668017-G-A.
Other names: c.3580C>T, p.Arg1194Trp (NM_001145357.2, NM_001437462.1, NM_001437463.1 and 1 more transcripts); short protein forms R1194W.
Identifiers: ClinVar variation 4630922 (VCV004630922.1).